The following is an entry in ClinVar:

ClinVar aggregate classification (germline): Conflicting classifications of pathogenicity. Review status: criteria provided, conflicting classifications (1 of 4 stars). 3 submissions from 3 submitters: Pathogenic (1); Likely pathogenic (1); Uncertain significance (1). Last evaluated 2024-04-26.

Conditions:
Mitochondrial DNA depletion syndrome 1. Also called: Mitochondrial Neurogastrointestinal Encephalopathy Disease; Mitochondrial DNA Depletion Syndrome, MNGIE Form; Mitochondrial neurogastrointestinal encephalomyopathy syndrome; Mitochondrial DNA depletion syndrome 1 (MNGIE type); POLIP SYNDROME; POLYNEUROPATHY, OPHTHALMOPLEGIA, LEUKOENCEPHALOPATHY, AND INTESTINAL PSEUDOOBSTRUCTION. Identifiers: Orphanet 298, MedGen C4551995, MONDO:0011283, OMIM 603041.

Submissions (3):

Fulgent Genetics
Classification: Likely pathogenic for Mitochondrial DNA depletion syndrome 1. Last evaluated: 2024-04-26. Review status: criteria provided, single submitter. Criteria: ACMG Guidelines, 2015. Collection method: clinical testing. Allele origin: germline.

Labcorp Genetics (formerly Invitae), Labcorp
Classification: Pathogenic. Last evaluated: 2024-02-02. Review status: criteria provided, single submitter. Criteria: Invitae Variant Classification Sherloc (09022015). Collection method: clinical testing. Allele origin: germline.
Comment: This sequence change results in a frameshift in the TYMP gene (p.Leu447Profs*?). While this is not anticipated to result in nonsense mediated decay, it is expected to disrupt the last 36 amino acid(s) of the TYMP protein and extend the protein by an uncertain number of additional additional amino acid residues. This variant is present in population databases (rs772501604, gnomAD 0.03%). This frameshift has been observed in individual(s) with clinical features of TYMP-related conditions (Invitae). ClinVar contains an entry for this variant (Variation ID: 666945). This variant results in an extension of the TYMP protein. Other variant(s) that result in a similarly extended protein product (p.Phe473Serfs*?) have been determined to be pathogenic (PMID: 21412940). This suggests that these extensions are likely to be disease-causing. For these reasons, this variant has been classified as Pathogenic.

Laboratory for Molecular Medicine, Mass General Brigham Personalized Medicine
Classification: Uncertain significance. Last evaluated: 2018-03-12. Review status: criteria provided, single submitter. Criteria: LMM Criteria. Collection method: clinical testing. Allele origin: germline. Observed: 1 variant allele.
Comment: The p.Leu452ProfsX60 variant in TYMP has not been previously reported in individ uals with disease, but has been identified in 0.026% (6/22794) of Finnish chromo somes by the Genome Aggregation Database (gnomAD, rg; dbSNP 772501604). This variant is predicted to remove the last 33 amino acid s of the protein and replace it with a different 60 amino acids. The tail end of the protein is not conserved in mammals, and thus it is unclear what the functi onal effect will be by altering the end of the protein. In summary, the clinical significance of the p.Leu452ProfsX60 variant in TYMP is uncertain. ACMG/AMP Cri teria applied: PM3

Literature cited by the submitters: PubMed 21412940 (cited by Labcorp Genetics (formerly Invitae), Labcorp).

NM_001953.5(TYMP):c.1340_1361del (p.Leu447fs)

Genes: SCO2 (synthesis of cytochrome C oxidase 2; minus strand), TYMP (thymidine phosphorylase; minus strand), LOC130067862 (ATAC-STARR-seq lymphoblastoid silent region 13986; plus strand). Cytogenetic location: 22q13.33.
Variant type: Deletion.
Coding change: c.1340_1361del on transcript NM_001953.5 (MANE Select); coding-DNA positions 1340 to 1361, 22 bases deleted (TCAGCGGCCCGCAGAGCCGCGC).
Protein change: p.Leu447fs; shifts the reading frame from leucine 447.
Molecular consequence: frameshift variant. On other transcripts: intron variant (2).
Genome position (GRCh38, 1-based): chr22:50,525,858-50,525,879, GCGCGGCTCTGCGGGCCGCTGA deleted on the plus strand (TCAGCGGCCCGCAGAGCCGCGC on the coding strand, the reverse complement: TYMP is on the minus strand); deleting any 22 consecutive bases within chr22:50,525,858-50,525,885 gives the same sequence; the c. name uses the placement nearest the transcript's 3' end. VCF-style (leftmost placement, unchanged base first): chr22-50525857-GGCGCGGCTCTGCGGGCCGCTGA-G. GRCh37 (hg19) VCF-style: chr22-50964286-GGCGCGGCTCTGCGGGCCGCTGA-G.
Other names: c.1340_1361del, p.Leu447fs (NM_001113755.3, NM_001113756.3, NM_001257988.1); c.1355_1376del, p.Leu452fs (NM_001257989.1); c.-14+367_-14+388del (NM_001169109.2); c.-14+122_-14+143del (NM_001169110.1); short protein forms L452fs, L447fs.
Identifiers: ClinVar variation 666945 (VCV000666945.12), dbSNP rs772501604, ClinGen allele CA10321419.